The following is an entry in ClinVar:

ClinVar aggregate classification (germline): Likely benign. Review status: criteria provided, multiple submitters, no conflicts (2 of 4 stars). 4 submissions from 4 submitters: Likely benign (4). Last evaluated 2025-12-06.

Conditions:
Inborn genetic diseases. Identifiers: MedGen C0950123, MeSH D030342.
Primary ciliary dyskinesia 16. Also called: CILIARY DYSKINESIA, PRIMARY, 16, WITH OR WITHOUT SITUS INVERSUS. Identifiers: Orphanet 244, MedGen C3151460, MONDO:0013525, OMIM 614017.

Allele frequency attached by ClinVar (database versions not stated): gnomAD exomes 0.00008; gnomAD 0.00009; TOPMed 0.00009; ExAC 0.00010.
gnomAD v4.1: 114 of 1,489,122 alleles (0.0077%); highest among the groups gnomAD compares: Non-Finnish European, 0.0097%; no homozygotes.

Submissions (4):

Labcorp Genetics (formerly Invitae), Labcorp
Classification: Likely benign for Primary ciliary dyskinesia 16. Last evaluated: 2025-12-06. Review status: criteria provided, single submitter. Criteria: Invitae Variant Classification Sherloc (09022015). Collection method: clinical testing. Allele origin: germline.

Blueprint Genetics
Classification: Likely benign. Last evaluated: 2024-11-07. Review status: criteria provided, single submitter. Criteria: ACMG Guidelines, 2015. Collection method: clinical testing. Allele origin: germline.

Ambry Genetics
Classification: Likely benign for Inborn genetic diseases. Last evaluated: 2023-08-11. Review status: criteria provided, single submitter. Criteria: Ambry Variant Classification Scheme 2023. Collection method: clinical testing. Allele origin: germline.

CeGaT Center for Human Genetics Tuebingen
Classification: Likely benign. Last evaluated: 2022-05-01. Review status: criteria provided, single submitter. Criteria: CeGaT Center For Human Genetics Tuebingen Variant Classification Criteria Version 2. Collection method: clinical testing. Allele origin: germline. Affected: yes. Observed: 1 variant allele.
Comment: DNAL1: BP4, BP7

NM_031427.4(DNAL1):c.243C>T (p.Asn81=)

Gene: DNAL1 (dynein axonemal light chain 1; plus strand). Cytogenetic location: 14q24.3.
Variant type: single nucleotide variant.
Coding change: c.243C>T on transcript NM_031427.4 (MANE Select); coding-DNA position 243, C replaced by T.
Protein change: p.Asn81=; no amino-acid change (asparagine 81 retained).
Molecular consequence: synonymous variant.
Genome position (GRCh38, 1-based): chr14:73,671,576, C>T. VCF-style: chr14-73671576-C-T. GRCh37 (hg19) VCF-style: chr14-74138279-C-T.
Other names: c.126C>T, p.Asn42= (NM_001201366.2).
Identifiers: ClinVar variation 314017 (VCV000314017.36), dbSNP rs886050685, ClinGen allele CA7261456.